The following is an entry in ClinVar:

NM_005045.4(RELN):c.6072+17T>A

Gene: RELN (reelin; minus strand). Cytogenetic location: 7q22.1.
Variant type: single nucleotide variant.
Coding change: c.6072+17T>A on transcript NM_005045.4 (MANE Select); 17 bases into the intron after coding-DNA position 6072, T replaced by A.
Molecular consequence: intron variant.
Genome position (GRCh38, 1-based): chr7:103,553,444, A>T on the plus strand (T>A on the coding strand, the complement: RELN is on the minus strand). VCF-style: chr7-103553444-A-T. GRCh37 (hg19) VCF-style: chr7-103193891-A-T.
Other names: c.6072+17T>A (NM_173054.3).
Identifiers: ClinVar variation 138911 (VCV000138911.1), dbSNP rs587781139, ClinGen allele CA293079.

ClinVar aggregate classification (germline): Benign (1 of 4 stars; one submission).

Submission:

GeneDx
Classification: Benign. Last evaluated: 2013-12-21. Review status: criteria provided, single submitter. Criteria: GeneDx Variant Classification (06012015). Collection method: clinical testing. Allele origin: germline. Affected: yes.
Comment: This variant is considered likely benign or benign based on one or more of the following criteria: it is a conservative change, it occurs at a poorly conserved position in the protein, it is predicted to be benign by multiple in silico algorithms, and/or has population frequency not consistent with disease.